The following is an entry in ClinVar:

ClinVar aggregate classification (germline): Uncertain significance (1 of 4 stars; one submission).

Submission:

Labcorp Genetics (formerly Invitae), Labcorp
Classification: Uncertain significance. Last evaluated: 2023-07-08. Review status: criteria provided, single submitter. Criteria: Invitae Variant Classification Sherloc (09022015). Collection method: clinical testing. Allele origin: germline.
Comment: In summary, the available evidence is currently insufficient to determine the role of this variant in disease. Therefore, it has been classified as a Variant of Uncertain Significance. Advanced modeling of protein sequence and biophysical properties (such as structural, functional, and spatial information, amino acid conservation, physicochemical variation, residue mobility, and thermodynamic stability) performed at Invitae indicates that this missense variant is expected to disrupt EFTUD2 protein function. This variant has not been reported in the literature in individuals affected with EFTUD2-related conditions. This variant is not present in population databases (gnomAD no frequency). This sequence change replaces glutamic acid, which is acidic and polar, with glycine, which is neutral and non-polar, at codon 623 of the EFTUD2 protein (p.Glu623Gly).

NM_004247.4(EFTUD2):c.1868A>G (p.Glu623Gly)

Gene: EFTUD2 (elongation factor Tu GTP binding domain containing 2; minus strand). Cytogenetic location: 17q21.31.
Variant type: single nucleotide variant.
Coding change: c.1868A>G on transcript NM_004247.4 (MANE Select); coding-DNA position 1868, A replaced by G.
Protein change: p.Glu623Gly; replaces glutamic acid 623 with glycine.
Molecular consequence: missense variant.
Genome position (GRCh38, 1-based): chr17:44,859,174, T>C on the plus strand (A>G on the coding strand, the complement: EFTUD2 is on the minus strand). VCF-style: chr17-44859174-T-C. GRCh37 (hg19) VCF-style: chr17-42936542-T-C.
Other names: c.1763A>G, p.Glu588Gly (NM_001142605.2); c.1868A>G, p.Glu623Gly (NM_001258353.2); c.1838A>G, p.Glu613Gly (NM_001258354.2); short protein forms E623G, E588G, E613G.
Identifiers: ClinVar variation 2739241 (VCV002739241.3), dbSNP rs2508747816, ClinGen allele CA399810927.